The following is an entry in ClinVar:

ClinVar aggregate classification (germline): Uncertain significance (1 of 4 stars; one submission).

Conditions:
Joubert syndrome. Also called: JOUBERT-BOLTSHAUSER SYNDROME; Familial aplasia of the vermis. Identifiers: Orphanet 475, MedGen C5979921, MONDO:0018772.
Meckel-Gruber syndrome. Also called: DYSENCEPHALIA SPLANCHNOCYSTICA; GRUBER SYNDROME; Dysencephalia splachnocystica. Identifiers: Orphanet 564, MedGen C0265215, MONDO:0018921.

Submission:

Labcorp Genetics (formerly Invitae), Labcorp
Classification: Uncertain significance for Joubert syndrome; Meckel-Gruber syndrome. Last evaluated: 2022-08-10. Review status: criteria provided, single submitter. Criteria: Invitae Variant Classification Sherloc (09022015). Collection method: clinical testing. Allele origin: germline.
Comment: This sequence change replaces alanine, which is neutral and non-polar, with valine, which is neutral and non-polar, at codon 547 of the CC2D2A protein (p.Ala547Val). This variant is not present in population databases (gnomAD no frequency). In summary, the available evidence is currently insufficient to determine the role of this variant in disease. Therefore, it has been classified as a Variant of Uncertain Significance. Advanced modeling of protein sequence and biophysical properties (such as structural, functional, and spatial information, amino acid conservation, physicochemical variation, residue mobility, and thermodynamic stability) performed at Invitae indicates that this missense variant is not expected to disrupt CC2D2A protein function. This variant has not been reported in the literature in individuals affected with CC2D2A-related conditions.

NM_001378615.1(CC2D2A):c.1640C>T (p.Ala547Val)

Genes: CC2D2A (coiled-coil and C2 domain containing 2A; plus strand), FBXL5 (F-box and leucine rich repeat protein 5; minus strand). Cytogenetic location: 4p15.32.
Variant type: single nucleotide variant.
Coding change: c.1640C>T on transcript NM_001378615.1 (MANE Select); coding-DNA position 1640, C replaced by T.
Protein change: p.Ala547Val; replaces alanine 547 with valine.
Molecular consequence: missense variant.
Genome position (GRCh38, 1-based): chr4:15,536,952, C>T. VCF-style: chr4-15536952-C-T. GRCh37 (hg19) VCF-style: chr4-15538575-C-T.
Other names: c.1640C>T, p.Ala547Val (NM_001080522.2); c.1493C>T, p.Ala498Val (NM_001378617.1); short protein forms A547V, A498V.
Identifiers: ClinVar variation 2133851 (VCV002133851.4), dbSNP rs2474974616, ClinGen allele CA356411233.